The following is an entry in ClinVar:

NM_032043.3(BRIP1):c.2032G>T (p.Ala678Ser)

Gene: BRIP1 (BRCA1 interacting DNA helicase 1; minus strand). Cytogenetic location: 17q23.2.
Variant type: single nucleotide variant.
Coding change: c.2032G>T on transcript NM_032043.3 (MANE Select); coding-DNA position 2032, G replaced by T.
Protein change: p.Ala678Ser; replaces alanine 678 with serine.
Molecular consequence: missense variant.
Genome position (GRCh38, 1-based): chr17:61,776,466, C>A on the plus strand (G>T on the coding strand, the complement: BRIP1 is on the minus strand). VCF-style: chr17-61776466-C-A. GRCh37 (hg19) VCF-style: chr17-59853827-C-A.
Other names: short protein forms A678S.
Identifiers: ClinVar variation 4789094 (VCV004789094.1).

ClinVar aggregate classification (germline): Uncertain significance (1 of 4 stars; one submission).

Conditions:
Fanconi anemia complementation group J. Also called: BRIP1-Related Fanconi Anemia. Identifiers: Orphanet 84, MedGen C1836860, MONDO:0012187, OMIM 609054.
Familial cancer of breast. Also called: BREAST CANCER, FAMILIAL; Hereditary breast cancer; hereditary breast carcinoma. Identifiers: Orphanet 227535, MedGen C0346153, MONDO:0016419, OMIM 114480. Disease mechanism: loss of function.

Submission:

Labcorp Genetics (formerly Invitae), Labcorp
Classification: Uncertain significance for Familial cancer of breast; Fanconi anemia complementation group J. Last evaluated: 2025-03-24. Review status: criteria provided, single submitter. Criteria: Invitae Variant Classification Sherloc (09022015). Collection method: clinical testing. Allele origin: germline.
Comment: This sequence change replaces alanine, which is neutral and non-polar, with serine, which is neutral and polar, at codon 678 of the BRIP1 protein (p.Ala678Ser). This variant is not present in population databases (gnomAD no frequency). This variant has not been reported in the literature in individuals affected with BRIP1-related conditions. Invitae Evidence Modeling of protein sequence and biophysical properties (such as structural, functional, and spatial information, amino acid conservation, physicochemical variation, residue mobility, and thermodynamic stability) indicates that this missense variant is not expected to disrupt BRIP1 protein function with a negative predictive value of 95%. In summary, the available evidence is currently insufficient to determine the role of this variant in disease. Therefore, it has been classified as a Variant of Uncertain Significance.